The following is an entry in ClinVar:

NM_006205.3(PDE6H):c.158T>G (p.Met53Arg)

Gene: PDE6H (phosphodiesterase 6H; plus strand). Cytogenetic location: 12p12.3.
Variant type: single nucleotide variant.
Coding change: c.158T>G on transcript NM_006205.3 (MANE Select); coding-DNA position 158, T replaced by G.
Protein change: p.Met53Arg; replaces methionine 53 with arginine.
Molecular consequence: missense variant.
Genome position (GRCh38, 1-based): chr12:14,979,202, T>G. VCF-style: chr12-14979202-T-G. GRCh37 (hg19) VCF-style: chr12-15132136-T-G.
Other names: short protein forms M53R.
Identifiers: ClinVar variation 2084510 (VCV002084510.4), dbSNP rs990659822, ClinGen allele CA384024343.

ClinVar aggregate classification (germline): Uncertain significance (1 of 4 stars; one submission).

Submission:

Labcorp Genetics (formerly Invitae), Labcorp
Classification: Uncertain significance. Last evaluated: 2022-02-23. Review status: criteria provided, single submitter. Criteria: Invitae Variant Classification Sherloc (09022015). Collection method: clinical testing. Allele origin: germline.
Comment: Algorithms developed to predict the effect of missense changes on protein structure and function (SIFT, PolyPhen-2, Align-GVGD) all suggest that this variant is likely to be tolerated. This variant has not been reported in the literature in individuals affected with PDE6H-related conditions. This variant is not present in population databases (gnomAD no frequency). This sequence change replaces methionine, which is neutral and non-polar, with arginine, which is basic and polar, at codon 53 of the PDE6H protein (p.Met53Arg). In summary, the available evidence is currently insufficient to determine the role of this variant in disease. Therefore, it has been classified as a Variant of Uncertain Significance.